The following is an entry in ClinVar:

NM_024298.5(MBOAT7):c.774C>T (p.Ala258=)

Gene: MBOAT7 (membrane bound acylglycerophosphatidylinositol O-acyltransferase MBOAT7; minus strand). Cytogenetic location: 19q13.42.
Variant type: single nucleotide variant.
Coding change: c.774C>T on transcript NM_024298.5 (MANE Select); coding-DNA position 774, C replaced by T.
Protein change: p.Ala258=; no amino-acid change (alanine 258 retained).
Molecular consequence: synonymous variant.
Genome position (GRCh38, 1-based): chr19:54,180,853, G>A on the plus strand (C>T on the coding strand, the complement: MBOAT7 is on the minus strand). VCF-style: chr19-54180853-G-A. GRCh37 (hg19) VCF-style: chr19-54684570-G-A.
Other names: c.555C>T, p.Ala185= (NM_001146056.3, NM_001146083.3); c.774C>T, p.Ala258= (NM_001146082.3).
Identifiers: ClinVar variation 3341961 (VCV003341961.16).
Genomic context (GRCh38, chr19:54,180,853, plus strand): 5'-GAGGGTGGGGCCGCCTCCGGCCCGGGCTTTGGCGGCCACGGGGTAGGCCCCAAAGCCGGC[G>A]GCAATGCAGCCGCACTCGGCGGCAATCCAGGCCACGTAGAAGCGCATGCGGAAGGCGAAG-3'
Protein context (NP_077274.3, residues 248-268): AWIAAECGCI[Ala258=]AGFGAYPVAA

ClinVar aggregate classification (germline): Likely benign (1 of 4 stars; one submission).

gnomAD v4.1: 20 of 1,582,508 alleles (0.0013%); highest among the groups gnomAD compares: Admixed American, 0.0037%; no homozygotes.

Submission:

CeGaT Center for Human Genetics Tuebingen
Classification: Likely benign. Last evaluated: 2025-10-01. Review status: criteria provided, single submitter. Criteria: CeGaT Center For Human Genetics Tuebingen Variant Classification Criteria Version 2. Collection method: clinical testing. Allele origin: germline. Affected: yes. Observed: 2 variant alleles.
Comment: MBOAT7: BP4, BP7